The following is an entry in ClinVar:

NM_018109.4(MTPAP):c.50G>T (p.Arg17Leu)

Genes: MTPAP (mitochondrial poly(A) polymerase; minus strand), LOC130003598 (ATAC-STARR-seq lymphoblastoid active region 3207; plus strand). Cytogenetic location: 10p11.23.
Variant type: single nucleotide variant.
Coding change: c.50G>T on transcript NM_018109.4 (MANE Select); coding-DNA position 50, G replaced by T.
Protein change: p.Arg17Leu; replaces arginine 17 with leucine.
Molecular consequence: missense variant.
Genome position (GRCh38, 1-based): chr10:30,349,226, C>A on the plus strand (G>T on the coding strand, the complement: MTPAP is on the minus strand). VCF-style: chr10-30349226-C-A. GRCh37 (hg19) VCF-style: chr10-30638155-C-A.
Other names: c.50G>T (NM_018109.3); short protein forms R17L.
Identifiers: ClinVar variation 2071495 (VCV002071495.5), dbSNP rs1012293243, ClinGen allele CA205290236.

ClinVar aggregate classification (germline): Uncertain significance. Review status: criteria provided, multiple submitters, no conflicts (2 of 4 stars). 2 submissions from 2 submitters: Uncertain significance (2). Last evaluated 2025-01-14.

Conditions:
Inborn genetic diseases. Identifiers: MedGen C0950123, MeSH D030342.

Allele frequency attached by ClinVar (database versions not stated): gnomAD exomes below 0.00001; gnomAD 0.00001.
gnomAD v4.1: 2 of 1,602,570 alleles (0.00012%); highest among the groups gnomAD compares: Non-Finnish European, 0.00017%; no homozygotes.

Submissions (2):

Ambry Genetics
Classification: Uncertain significance for Inborn genetic diseases. Last evaluated: 2025-01-14. Review status: criteria provided, single submitter. Criteria: Ambry Variant Classification Scheme 2023. Collection method: clinical testing. Allele origin: germline.

Labcorp Genetics (formerly Invitae), Labcorp
Classification: Uncertain significance. Last evaluated: 2022-08-06. Review status: criteria provided, single submitter. Criteria: Invitae Variant Classification Sherloc (09022015). Collection method: clinical testing. Allele origin: germline.
Comment: Algorithms developed to predict the effect of missense changes on protein structure and function (SIFT, PolyPhen-2, Align-GVGD) all suggest that this variant is likely to be tolerated. This variant has not been reported in the literature in individuals affected with MTPAP-related conditions. This variant is not present in population databases (gnomAD no frequency). This sequence change replaces arginine, which is basic and polar, with leucine, which is neutral and non-polar, at codon 17 of the MTPAP protein (p.Arg17Leu). In summary, the available evidence is currently insufficient to determine the role of this variant in disease. Therefore, it has been classified as a Variant of Uncertain Significance.